The following is an entry in ClinVar:

NM_001130438.3(SPTAN1):c.6308A>G (p.Lys2103Arg)

Gene: SPTAN1 (spectrin alpha, non-erythrocytic 1; plus strand). Cytogenetic location: 9q34.11.
Variant type: single nucleotide variant.
Coding change: c.6308A>G on transcript NM_001130438.3 (MANE Select); coding-DNA position 6308, A replaced by G.
Protein change: p.Lys2103Arg; replaces lysine 2103 with arginine.
Molecular consequence: missense variant.
Genome position (GRCh38, 1-based): chr9:128,626,419, A>G. VCF-style: chr9-128626419-A-G. GRCh37 (hg19) VCF-style: chr9-131388698-A-G.
Other names: p.K2103R:AAA>AGA; c.6233A>G, p.Lys2078Arg (NM_001195532.2); c.6308A>G, p.Lys2103Arg (NM_001363759.2); c.6248A>G, p.Lys2083Arg (NM_001363765.2); c.6293A>G, p.Lys2098Arg (NM_003127.4); short protein forms K2103R, K2078R, K2083R, K2098R.
Identifiers: ClinVar variation 207350 (VCV000207350.18), dbSNP rs796053322, ClinGen allele CA318730.

ClinVar aggregate classification (germline): Conflicting classifications of pathogenicity. Review status: criteria provided, conflicting classifications (1 of 4 stars). 5 submissions from 5 submitters: Uncertain significance (4); Likely benign (1). Last evaluated 2025-03-11.

Conditions:
Early-infantile DEE. Also called: Early infantile epileptic encephalopathy; Early infantile epileptic encephalopathy with suppression bursts; Ohtahara syndrome. Identifiers: Orphanet 1934, MedGen C0393706, MONDO:0800491.
Inborn genetic diseases. Identifiers: MedGen C0950123, MeSH D030342.
Developmental and epileptic encephalopathy, 5 (DEE5). Identifiers: Orphanet 3451, MedGen C3150731, MONDO:0013277, OMIM 613477.
Intellectual disability. Also called: Intellectual functioning disability; Intellectual developmental disorder; intellectual disabilities. Identifiers: MedGen C3714756, MeSH D008607, MONDO:0001071, HP:0001249.

Allele frequency attached by ClinVar (database versions not stated): gnomAD 0.00002; gnomAD exomes 0.00003 and below 0.00001; TOPMed 0.00002.
gnomAD v4.1: 52 of 1,614,070 alleles (0.0032%); highest among the groups gnomAD compares: Non-Finnish European, 0.0042%; no homozygotes.

Submissions (5):

Labcorp Genetics (formerly Invitae), Labcorp
Classification: Likely benign for Early-infantile DEE. Last evaluated: 2025-03-11. Review status: criteria provided, single submitter. Criteria: Invitae Variant Classification Sherloc (09022015). Collection method: clinical testing. Allele origin: germline.

Ambry Genetics
Classification: Uncertain significance for Inborn genetic diseases. Last evaluated: 2024-05-12. Review status: criteria provided, single submitter. Criteria: Ambry Variant Classification Scheme 2023. Collection method: clinical testing. Allele origin: germline.

Genome-Nilou Lab
Classification: Uncertain significance for Developmental and epileptic encephalopathy, 5. Last evaluated: 2021-07-15. Review status: criteria provided, single submitter. Criteria: ACMG Guidelines, 2015. Collection method: clinical testing. Allele origin: germline. Affected: no.

Cambridge Genomics Laboratory, East Genomic Laboratory Hub, NHS Genomic Medicine Service
Classification: Uncertain significance for Intellectual disability. Last evaluated: 2019-11-08. Review status: criteria provided, single submitter. Criteria: ACGS Best Practice Guidelines for Variant Classification in Rare Disease 2020. Collection method: clinical testing. Allele origin: germline. Affected: yes. Observed: 1 variant allele.

GeneDx
Classification: Uncertain significance. Last evaluated: 2012-10-31. Review status: criteria provided, single submitter. Criteria: GeneDx Variant Classification (06012015). Collection method: clinical testing. Allele origin: germline. Affected: yes.
Comment: p.Lys2103Arg (AAA>AGA):c.6308 A>G in exon 49 of the SPTAN1 gene (NM_001130438.1) The Lys2103Arg missense change has not been published as a mutation, nor has it been reported as a benign polymorphism to our knowledge. The NHLBI ESP Exome Variant Project has not identified Lys2013Arg in approximately 6,500 individuals of European or African American ethnicity, indicating that it is not a common benign variant in these populations. This amino acid substitution is conservative, as both Arginine and Lysine are positively charged amino acids. Lys2103Arg alters a highly conserved position in the 22nd spectrin repeat of the protein, and multiple in silico algorithms predict it may be damaging to protein structure/function. However, previously reported pathogenic mutations in SPTAN1 are in frame deletions or duplications located within the last spectrin repeat of the protein (Saitsu et al., 2010). Therefore, based on the currently available information, it is unclear whether Lys2103Arg is a disease-causing mutation or a rare benign variant. The variant is found in EPILEPSY panel(s).